The following is an entry in ClinVar:

ClinVar aggregate classification (germline): Uncertain significance (0 of 4 stars; one submission).

Conditions:
SEMA3A-related disorder. Also called: SEMA3A-related condition.

gnomAD v4.1: 5 of 1,597,666 alleles (0.00031%); highest among the groups gnomAD compares: Admixed American, 0.0035%; no homozygotes.

Submission:

PreventionGenetics, part of Exact Sciences
Classification: Uncertain significance for SEMA3A-related condition. Last evaluated: 2024-06-20. Review status: no assertion criteria provided. Collection method: clinical testing. Allele origin: germline.
Comment: The SEMA3A c.1139C>T variant is predicted to result in the amino acid substitution p.Thr380Ile. To our knowledge, this variant has not been reported in the literature. This variant is reported in 0.0032% of alleles in individuals of Latino descent in gnomAD. At this time, the clinical significance of this variant is uncertain due to the absence of conclusive functional and genetic evidence.

NM_006080.3(SEMA3A):c.1139C>T (p.Thr380Ile)

Gene: SEMA3A (semaphorin 3A; minus strand). Cytogenetic location: 7q21.11.
Variant type: single nucleotide variant.
Coding change: c.1139C>T on transcript NM_006080.3 (MANE Select); coding-DNA position 1139, C replaced by T.
Protein change: p.Thr380Ile; replaces threonine 380 with isoleucine.
Molecular consequence: missense variant.
Genome position (GRCh38, 1-based): chr7:84,007,354, G>A on the plus strand (C>T on the coding strand, the complement: SEMA3A is on the minus strand). VCF-style: chr7-84007354-G-A. GRCh37 (hg19) VCF-style: chr7-83636670-G-A.
Other names: short protein forms T380I.
Identifiers: ClinVar variation 3349481 (VCV003349481.1).